The following is an entry in ClinVar:

NM_152617.4(RNF168):c.644G>A (p.Ser215Asn)

Gene: RNF168 (ring finger protein 168; minus strand). Cytogenetic location: 3q29.
Variant type: single nucleotide variant.
Coding change: c.644G>A on transcript NM_152617.4 (MANE Select); coding-DNA position 644, G replaced by A.
Protein change: p.Ser215Asn; replaces serine 215 with asparagine.
Molecular consequence: missense variant.
Genome position (GRCh38, 1-based): chr3:196,483,806, C>T on the plus strand (G>A on the coding strand, the complement: RNF168 is on the minus strand). VCF-style: chr3-196483806-C-T. GRCh37 (hg19) VCF-style: chr3-196210677-C-T.
Other names: short protein forms S215N.
Identifiers: ClinVar variation 1930285 (VCV001930285.5), dbSNP rs755626777, ClinGen allele CA2780867.

ClinVar aggregate classification (germline): Uncertain significance (1 of 4 stars; one submission).

Allele frequency attached by ClinVar (database versions not stated): gnomAD exomes below 0.00001; TOPMed below 0.00001; ExAC 0.00001.
gnomAD v4.1: 3 of 1,610,422 alleles (0.00019%); highest among the groups gnomAD compares: Middle Eastern, 0.017%; no homozygotes.

Submission:

Labcorp Genetics (formerly Invitae), Labcorp
Classification: Uncertain significance. Last evaluated: 2022-08-19. Review status: criteria provided, single submitter. Criteria: Invitae Variant Classification Sherloc (09022015). Collection method: clinical testing. Allele origin: germline.
Comment: In summary, the available evidence is currently insufficient to determine the role of this variant in disease. Therefore, it has been classified as a Variant of Uncertain Significance. Algorithms developed to predict the effect of missense changes on protein structure and function output the following: SIFT: "Tolerated"; PolyPhen-2: "Benign"; Align-GVGD: "Class C0". The asparagine amino acid residue is found in multiple mammalian species, which suggests that this missense change does not adversely affect protein function. This variant has not been reported in the literature in individuals affected with RNF168-related conditions. The frequency data for this variant in the population databases is considered unreliable, as metrics indicate poor data quality at this position in the gnomAD database. This sequence change replaces serine, which is neutral and polar, with asparagine, which is neutral and polar, at codon 215 of the RNF168 protein (p.Ser215Asn).